The following is an entry in ClinVar:

ClinVar aggregate classification (germline): Uncertain significance. Review status: criteria provided, multiple submitters, no conflicts (2 of 4 stars). 2 submissions from 2 submitters: Uncertain significance (2). Last evaluated 2025-05-28.

Conditions:
NR0B1-related disorder.

Submissions (2):

GeneDx
Classification: Uncertain significance. Last evaluated: 2025-05-28. Review status: criteria provided, single submitter. Criteria: GeneDx Variant Classification Process June 2021. Collection method: clinical testing. Allele origin: germline. Affected: yes.
Comment: Not observed at significant frequency in large population cohorts (gnomAD); In silico analysis suggests that this missense variant does not alter protein structure/function; Has not been previously published as pathogenic or benign to our knowledge

PreventionGenetics, part of Exact Sciences
Classification: Uncertain significance for NR0B1-related condition. Last evaluated: 2023-01-18. Review status: criteria provided, single submitter. Criteria: ACMG Guidelines, 2015. Collection method: clinical testing. Allele origin: germline.
Comment: The NR0B1 c.362C>G variant is predicted to result in the amino acid substitution p.Pro121Arg. To our knowledge, this variant has not been reported in the literature or in a large population database, indicating this variant is rare. At this time, the clinical significance of this variant is uncertain due to the absence of conclusive functional and genetic evidence.

NM_000475.5(NR0B1):c.362C>G (p.Pro121Arg)

Gene: NR0B1 (nuclear receptor subfamily 0 group B member 1; minus strand). Cytogenetic location: Xp21.2.
Variant type: single nucleotide variant.
Coding change: c.362C>G on transcript NM_000475.5 (MANE Select); coding-DNA position 362, C replaced by G.
Protein change: p.Pro121Arg; replaces proline 121 with arginine.
Molecular consequence: missense variant.
Genome position (GRCh38, 1-based): chrX:30,309,002, G>C on the plus strand (C>G on the coding strand, the complement: NR0B1 is on the minus strand). VCF-style: chrX-30309002-G-C. GRCh37 (hg19) VCF-style: chrX-30327119-G-C.
Other names: short protein forms P121R.
Identifiers: ClinVar variation 2629675 (VCV002629675.2), dbSNP rs1194489203, ClinGen allele CA412548920.